The following is an entry in ClinVar:

NM_000891.3(KCNJ2):c.13C>T (p.Arg5Ter)

Gene: KCNJ2 (potassium inwardly rectifying channel subfamily J member 2; plus strand). Cytogenetic location: 17q24.3.
Variant type: single nucleotide variant.
Coding change: c.13C>T on transcript NM_000891.3 (MANE Select); coding-DNA position 13, C replaced by T.
Protein change: p.Arg5Ter; replaces arginine 5 with a stop codon.
Molecular consequence: nonsense.
Genome position (GRCh38, 1-based): chr17:70,175,052, C>T. VCF-style: chr17-70175052-C-T. GRCh37 (hg19) VCF-style: chr17-68171193-C-T.
Other names: short protein forms R5*.
Identifiers: ClinVar variation 1064345 (VCV001064345.11), dbSNP rs1042485, ClinGen allele CA400859487.

ClinVar aggregate classification (germline): Conflicting classifications of pathogenicity. Review status: criteria provided, conflicting classifications (1 of 4 stars). 2 submissions from 2 submitters: Pathogenic (1); Uncertain significance (1). Last evaluated 2025-04-27.

Conditions:
Cardiovascular phenotype. Identifiers: MedGen CN230736.
Andersen Tawil syndrome (LQT7). Also called: ANDERSEN CARDIODYSRHYTHMIC PERIODIC PARALYSIS; Potassium-sensitive periodic paralysis, ventricular ectopy, and dysmorphic features; PERIODIC PARALYSIS, POTASSIUM-SENSITIVE CARDIODYSRHYTHMIC TYPE; Andersen Syndrome; LONG QT SYNDROME 7. Identifiers: Orphanet 37553, MedGen C1563715, MONDO:0008222, OMIM 170390.
Short QT syndrome type 3. Identifiers: Orphanet 51083, MedGen C1865018, MONDO:0012314, OMIM 609622.

Allele frequency attached by ClinVar (database versions not stated): gnomAD exomes below 0.00001.

Submissions (2):

Labcorp Genetics (formerly Invitae), Labcorp
Classification: Pathogenic for Short QT syndrome type 3; Andersen Tawil syndrome. Last evaluated: 2025-04-27. Review status: criteria provided, single submitter. Criteria: Invitae Variant Classification Sherloc (09022015). Collection method: clinical testing. Allele origin: germline.
Comment: This sequence change creates a premature translational stop signal (p.Arg5*) in the KCNJ2 gene. While this is not anticipated to result in nonsense mediated decay, it is expected to disrupt the last 423 amino acid(s) of the KCNJ2 protein. The frequency data for this variant in the population databases is considered unreliable, as metrics indicate poor data quality at this position in the gnomAD database. This variant has not been reported in the literature in individuals affected with KCNJ2-related conditions. ClinVar contains an entry for this variant (Variation ID: 1064345). This variant disrupts a region of the KCNJ2 protein in which other variant(s) (p.Ser369*) have been determined to be pathogenic (PMID: 21493816). This suggests that this is a clinically significant region of the protein, and that variants that disrupt it are likely to be disease-causing. For these reasons, this variant has been classified as Pathogenic.

Ambry Genetics
Classification: Uncertain significance for Cardiovascular phenotype. Last evaluated: 2018-09-29. Review status: criteria provided, single submitter. Criteria: Ambry Variant Classification Scheme 2023. Collection method: clinical testing. Allele origin: germline.
Comment: The p.R5* variant (also known as c.13C>T), located in coding exon 1 of the KCNJ2 gene, results from a C to T substitution at nucleotide position 13. This changes the amino acid from an arginine to a stop codon within coding exon 1. This alteration is expected to result in loss of function by premature protein truncation. However, loss of function of KCNJ2 has not been clearly established as a mechanism of disease. Since supporting evidence is limited at this time, the clinical significance of this alteration remains unclear.

Literature cited by the submitters: PubMed 21493816 (cited by Labcorp Genetics (formerly Invitae), Labcorp).